The following is an entry in ClinVar:

ClinVar aggregate classification (germline): Uncertain significance (1 of 4 stars; one submission).

Conditions:
Autosomal dominant nonsyndromic hearing loss 1. Also called: KONIGSMARK SYNDROME; DEAFNESS, AUTOSOMAL DOMINANT 1, WITH OR WITHOUT THROMBOCYTOPENIA. Identifiers: Orphanet 90635, MedGen C1852282, MONDO:0007424, OMIM 124900.
Progressive microcephaly-seizures-cortical blindness-developmental delay syndrome. Also called: Seizures, cortical blindness, and microcephaly syndrome. Identifiers: Orphanet 477814, MedGen C5567650, MONDO:0014714, OMIM 616632.

gnomAD v4.1: 4 of 1,614,212 alleles (0.00025%); highest among the groups gnomAD compares: Non-Finnish European, 0.00034%; no homozygotes.

Submission:

Labcorp Genetics (formerly Invitae), Labcorp
Classification: Uncertain significance for Progressive microcephaly-seizures-cortical blindness-developmental delay syndrome; Autosomal dominant nonsyndromic hearing loss 1. Last evaluated: 2025-12-21. Review status: criteria provided, single submitter. Criteria: Invitae Variant Classification Sherloc (09022015). Collection method: clinical testing. Allele origin: germline.
Comment: This sequence change replaces serine, which is neutral and polar, with threonine, which is neutral and polar, at codon 1048 of the DIAPH1 protein (p.Ser1048Thr). This variant is not present in population databases (gnomAD no frequency). This variant has not been reported in the literature in individuals affected with DIAPH1-related conditions. ClinVar contains an entry for this variant (Variation ID: 3752629). An algorithm developed to predict the effect of missense changes on protein structure and function (PolyPhen-2) suggests that this variant is likely to be disruptive. In summary, the available evidence is currently insufficient to determine the role of this variant in disease. Therefore, it has been classified as a Variant of Uncertain Significance.

NM_005219.5(DIAPH1):c.3143G>C (p.Ser1048Thr)

Gene: DIAPH1 (diaphanous related formin 1; minus strand). Cytogenetic location: 5q31.3.
Variant type: single nucleotide variant.
Coding change: c.3143G>C on transcript NM_005219.5 (MANE Select); coding-DNA position 3143, G replaced by C.
Protein change: p.Ser1048Thr; replaces serine 1048 with threonine.
Molecular consequence: missense variant.
Genome position (GRCh38, 1-based): chr5:141,528,458, C>G on the plus strand (G>C on the coding strand, the complement: DIAPH1 is on the minus strand). VCF-style: chr5-141528458-C-G. GRCh37 (hg19) VCF-style: chr5-140908025-C-G.
Other names: c.3116G>C, p.Ser1039Thr (NM_001079812.3); c.3143G>C, p.Ser1048Thr (NM_001314007.2); short protein forms S1039T, S1048T.
Identifiers: ClinVar variation 3752629 (VCV003752629.2).